The following is an entry in ClinVar:

NM_004046.6(ATP5F1A):c.76T>G (p.Leu26Val)

Gene: ATP5F1A (ATP synthase F1 subunit alpha; minus strand). Cytogenetic location: 18q21.1.
Variant type: single nucleotide variant.
Coding change: c.76T>G on transcript NM_004046.6 (MANE Select); coding-DNA position 76, T replaced by G.
Protein change: p.Leu26Val; replaces leucine 26 with valine.
Molecular consequence: missense variant. On other transcripts: 5 prime UTR variant (2).
Genome position (GRCh38, 1-based): chr18:46,095,116, A>C on the plus strand (T>G on the coding strand, the complement: ATP5F1A is on the minus strand). VCF-style: chr18-46095116-A-C. GRCh37 (hg19) VCF-style: chr18-43675082-A-C.
Other names: c.-148T>G (NM_001001935.3); c.76T>G, p.Leu26Val (NM_001001937.2, NM_001257334.2); c.-75T>G (NM_001257335.2); c.76T>G (NM_001001937.1); short protein forms L26V.
Identifiers: ClinVar variation 2174285 (VCV002174285.5), dbSNP rs550057616, ClinGen allele CA8950935.

ClinVar aggregate classification (germline): Uncertain significance. Review status: criteria provided, multiple submitters, no conflicts (2 of 4 stars). 2 submissions from 2 submitters: Uncertain significance (2). Last evaluated 2025-10-06.

Conditions:
Inborn genetic diseases. Identifiers: MedGen C0950123, MeSH D030342.

gnomAD v4.1: 38 of 1,613,470 alleles (0.0024%); highest among the groups gnomAD compares: Non-Finnish European, 0.0031%; no homozygotes.

Submissions (2):

Ambry Genetics
Classification: Uncertain significance for Inborn genetic diseases. Last evaluated: 2025-10-06. Review status: criteria provided, single submitter. Criteria: Ambry Variant Classification Scheme 2023. Collection method: clinical testing. Allele origin: germline.

Labcorp Genetics (formerly Invitae), Labcorp
Classification: Uncertain significance. Last evaluated: 2025-02-13. Review status: criteria provided, single submitter. Criteria: Invitae Variant Classification Sherloc (09022015). Collection method: clinical testing. Allele origin: germline.
Comment: This sequence change replaces leucine, which is neutral and non-polar, with valine, which is neutral and non-polar, at codon 26 of the ATP5A1 protein (p.Leu26Val). This variant is present in population databases (rs550057616, gnomAD 0.003%). This variant has not been reported in the literature in individuals affected with ATP5A1-related conditions. ClinVar contains an entry for this variant (Variation ID: 2174285). An algorithm developed to predict the effect of missense changes on protein structure and function (PolyPhen-2) suggests that this variant is likely to be tolerated. In summary, the available evidence is currently insufficient to determine the role of this variant in disease. Therefore, it has been classified as a Variant of Uncertain Significance.